The following continues an entry in ClinVar:

NM_000492.4(CFTR):c.200C>T (p.Pro67Leu)

Gene: CFTR. ClinVar aggregate classification (germline): Pathogenic; drug response. Pathogenic (1).

Submissions 8 to 28 of 28:

ARUP Laboratories, Molecular Genetics and Genomics, ARUP Laboratories
Classification: Pathogenic for Cystic fibrosis. Last evaluated: 2024-09-16. Review status: criteria provided, single submitter. Criteria: ARUP Molecular Germline Variant Investigation Process 2024. Collection method: clinical testing. Allele origin: germline. Not counted in ClinVar's aggregate classification.
Comment: The CFTR c.200C>T; p.Pro67Leu variant (rs368505753), is reported in the literature in multiple individuals in the compound heterozygous state affected with cystic fibrosis (Gilfillan 1998, Kingsmore 2021, Raraigh 2022, Sosnay 2013). This variant is reported in ClinVar (Variation ID: 53425) and is observed on ten alleles in the Genome Aggregation Database, indicating it is not a common polymorphism and. In vitro/In vivo functional analyses demonstrate altered CFTR protein folding, reduced mature CTFR protein, and reduced chloride transport (Sabusap 2021, Van Goor 2014). The proline at codon 67 is highly conserved and computational analyses predict that this variant is deleterious (REVEL:0.926). Based on available information, this variant is considered to be pathogenic. References: Gilfillan A, et al. P67L: a cystic fibrosis allele with mild effects found at high frequency in the Scottish population. J Med Genet. 1998. PMID: 9507391 Kingsmore SF, et al. A genome sequencing system for universal newborn screening, diagnosis, and precision medicine for severe genetic diseases. 2021. Am J Hum Genet. PMID: 36007526. Raraigh KS, et al. Complete CFTR gene sequencing in 5,058 individuals with cystic fibrosis informs variant-specific treatment. J Cyst Fibros. 2022. PMID: 34782259. Sabusap CM, et al. The CFTR P67L variant reveals a key role for N-terminal lasso helices in channel folding, maturation, and pharmacologic rescue. 2021. J Biol Chem. PMID: 33781744. Sosnay PR, et al. Defining the disease liability of variants in the cystic fibrosis transmembrane conductance regulator gene. Nat Genet. 2013. PMID: 23974870. Van Goor F, et al. Effect of ivacaftor on CFTR forms with missense mutations associated with defects in protein processing or function. J Cyst Fibros. 2014. PMID: 23891399.

Fulgent Genetics
Classification: Pathogenic for Hereditary pancreatitis; Bronchiectasis with or without elevated sweat chloride 1; Cystic fibrosis; Congenital bilateral aplasia of vas deferens from CFTR mutation. Last evaluated: 2024-05-23. Review status: criteria provided, single submitter. Criteria: ACMG Guidelines, 2015. Collection method: clinical testing. Allele origin: germline. Not counted in ClinVar's aggregate classification.

Baylor Genetics
Classification: Pathogenic for Bronchiectasis with or without elevated sweat chloride 1. Last evaluated: 2024-03-28. Review status: criteria provided, single submitter. Criteria: ACMG Guidelines, 2015. Collection method: clinical testing. Allele origin: unknown. Not counted in ClinVar's aggregate classification.

Blueprint Genetics
Classification: Pathogenic for CFTR-related disorders. Last evaluated: 2022-11-04. Review status: criteria provided, single submitter. Criteria: ACMG Guidelines, 2015. Collection method: clinical testing. Allele origin: germline. Affected: yes. Observed: 5 variant alleles. Not counted in ClinVar's aggregate classification.

Revvity Omics, Revvity
Classification: Pathogenic. Last evaluated: 2022-08-22. Review status: criteria provided, single submitter. Criteria: ACMG Guidelines, 2015. Collection method: clinical testing. Allele origin: germline. Not counted in ClinVar's aggregate classification.

Mayo Clinic Laboratories, Mayo Clinic
Classification: Pathogenic. Last evaluated: 2022-08-11. Review status: criteria provided, single submitter. Criteria: ACMG Guidelines, 2015. Collection method: clinical testing. Allele origin: germline. Observed: 10 variant alleles. Not counted in ClinVar's aggregate classification.

Quest Diagnostics Nichols Institute San Juan Capistrano
Classification: Pathogenic. Last evaluated: 2022-06-08. Review status: criteria provided, single submitter. Criteria: Quest Diagnostics criteria. Collection method: clinical testing. Allele origin: unknown. Not counted in ClinVar's aggregate classification.
Comment: In the published literature, the variant has been associated with mild CF signs and symptoms with compound heterozygous individuals often being pancreatic sufficient, have abnormal sweat chloride levels, and are responsive to therapeutics (PMID: 6840743 (1983), 23974870 (2013), 25732475 (2015), 28392015 (2017)). The variant has been reported to be common in the Scottish population (PMID: 9507391 (1998)). Functional studies have shown that this variant has a damaging effect on CFTR maturation and function (PMID: 23974870 (2013), 23891399 (2014), 27660821 (2016), 33781744 (2021)). Based on the available information, this variant is classified as pathogenic.

Mendelics
Classification: Pathogenic for Hereditary pancreatitis. Last evaluated: 2022-05-04. Review status: criteria provided, single submitter. Criteria: Mendelics Assertion Criteria 2019. Collection method: clinical testing. Allele origin: germline. Not counted in ClinVar's aggregate classification.

Genome Diagnostics Laboratory, The Hospital for Sick Children
Classification: Pathogenic for Cystic fibrosis. Last evaluated: 2021-07-05. Review status: criteria provided, single submitter. Criteria: ACMG Guidelines, 2015. Collection method: clinical testing. Allele origin: germline. Not counted in ClinVar's aggregate classification.

Greenwood Genetic Center Diagnostic Laboratories, Greenwood Genetic Center
Classification: Likely pathogenic. Last evaluated: 2021-02-02. Review status: criteria provided, single submitter. Criteria: ACMG Guidelines, 2015. Collection method: clinical testing. Allele origin: germline. Affected: yes. Not counted in ClinVar's aggregate classification.
Comment: PS3, PP2, PM3_Supporting, PM2

Rady Children's Institute for Genomic Medicine, Rady Children's Hospital San Diego
Classification: Pathogenic for CYSTIC FIBROSIS. Last evaluated: 2020-05-27. Review status: criteria provided, single submitter. Criteria: ACMG Guidelines, 2015. Collection method: clinical testing. Allele origin: germline. Affected: yes. Not counted in ClinVar's aggregate classification.
Comment: This variant has been previously reported as a compound heterozygous change in many individuals affected with cystic fibrosis (CF), congenital bilateral absence of vas deferens, or other CFTR-related conditions (PMID: 9507391, 22658665, 23974870, 16840743). Individuals with this variant and a second pathogenic allele are typically found to have lower sweat chloride levels than the average CF. Experimental studies have shown that this missense change affects the chloride conduction function in vitro (PMID:23974870, 23891399). It is present in the heterozygous state in the gnomAD population database at a frequency of 0.004% (10/282408) and thus is presumed to be rare. In silico analyses support a deleterious effect of the c.200C>T (p.Pro67Leu) variant on protein function. Based on the available evidence, the c.200C>T (p.Pro67Leu) variant is classified as Pathogenic.

Johns Hopkins Genomics, Johns Hopkins University
Classification: Pathogenic for Cystic fibrosis. Last evaluated: 2019-10-16. Review status: criteria provided, single submitter. Criteria: ACMG Guidelines, 2015. Collection method: clinical testing. Allele origin: germline. Not counted in ClinVar's aggregate classification.
Comment: See CFTR2 for phenotype information.

Eurofins Ntd Llc (ga)
Classification: Pathogenic. Last evaluated: 2018-07-09. Review status: criteria provided, single submitter. Criteria: EGL ClinVar v180209 classification definitions. Collection method: clinical testing. Allele origin: germline. Observed: 4 variant alleles, 4 heterozygotes. Not counted in ClinVar's aggregate classification.

CFTR-France
Classification: Pathogenic for cystic fibrosis. Last evaluated: 2018-01-29. Review status: criteria provided, single submitter. Criteria: Claustres M et al. (Hum Mutat 2017). Collection method: curation. Allele origin: germline. Affected: yes. Not counted in ClinVar's aggregate classification.

Women's Health and Genetics/Laboratory Corporation of America, LabCorp
Classification: Pathogenic for Cystic fibrosis. Last evaluated: 2016-07-29. Review status: criteria provided, single submitter. Criteria: LabCorp Variant Classification Summary - May 2015. Collection method: clinical testing. Allele origin: germline. Not counted in ClinVar's aggregate classification.
Comment: Variant summary: The CFTR c.200C>T (p.Pro67Leu) variant involves the alteration of a conserved nucleotide and is present in ABC transporter type 1, transmembrane domain of the protein. 5/5 in silico tools predict a damaging outcome for this variant. This variant was found in 4/121266 control chromosomes at a frequency of 0.000033, which does not exceed the estimated maximal expected allele frequency of a pathogenic CFTR variant (0.0129603). The variant has been reported in numerous CF-affected individuals in the literature, particularly in patients with non-classic CF with consistent recessive genotypes, and has been shown to display a mean chloride conductance <10% compared to wildtype (Sosnay_2013, Kraus_2007). In addition, multiple clinical diagnostic laboratories/reputable databases have classified this variant as pathogenic. Taken together, this variant is classified as pathogenic.

Baylor Genetics
Classification: Pathogenic for Congenital bilateral aplasia of vas deferens from CFTR mutation; Cystic fibrosis. Review status: criteria provided, single submitter. Criteria: ACMG Guidelines, 2015. Collection method: clinical testing. Allele origin: germline. Not counted in ClinVar's aggregate classification.

Rady Children's Institute for Genomic Medicine, Rady Children's Hospital San Diego
Classification: Pathogenic for CFTR-Related Disorders. Review status: criteria provided, single submitter. Criteria: ACMG Guidelines, 2015. Collection method: clinical testing. Allele origin: germline. Affected: yes. Not counted in ClinVar's aggregate classification.
Comment: This variant has been previously reported as a compound heterozygous change in multiple individuals with cystic fibrosis (CF) and other CFTR-related disorders (PMID: 9507391, 22658665, 23974870, 16840743). The c.200C>T (p.Pro67Leu) variant is present in the CFTR2 website as a CF disease-causing variant when combined with another CF-causing variant. In-vitro functional studies showed that this alteration affects the channel function (PMID:23974870, 23891399). It is present in the heterozygous state in the gnomAD population database at a frequency of 0.004% (10/282408) and thus is presumed to be rare. In silico analyses support a deleterious effect of the c.200C>T (p.Pro67Leu) variant on protein function. Based on the available evidence, the c.200C>T (p.Pro67Leu) variant is classified as Pathogenic.

Genome Diagnostics Laboratory, The Hospital for Sick Children
Classification: Pathogenic for CFTR-related disorders. Last evaluated: 2021-07-05. Review status: no assertion criteria provided. Collection method: clinical testing. Allele origin: germline. Not counted in ClinVar's aggregate classification.

Counsyl
Classification: Likely pathogenic for Cystic fibrosis. Last evaluated: 2014-09-24. Review status: no assertion criteria provided. Collection method: literature only. Allele origin: unknown. Inheritance: Autosomal recessive inheritance. Not counted in ClinVar's aggregate classification.

Diagnostic Laboratory, Department of Genetics, University Medical Center Groningen
Classification: Pathogenic. Review status: no assertion criteria provided. Collection method: clinical testing. Allele origin: germline. Affected: yes. Study: VKGL Data-share Consensus. Not counted in ClinVar's aggregate classification.

Joint Genome Diagnostic Labs from Nijmegen and Maastricht, Radboudumc and MUMC+
Classification: Likely pathogenic. Review status: no assertion criteria provided. Collection method: clinical testing. Allele origin: germline. Affected: yes. Study: VKGL Data-share Consensus. Not counted in ClinVar's aggregate classification.

Literature cited by the submitters: PubMed 23891399 (cited by 6 submitters); PubMed 9507391 (cited by 5 submitters); PubMed 16840743 (cited by Labcorp Genetics (formerly Invitae), Labcorp and Counsyl); PubMed 22658665 (cited by 3 submitters); PubMed 23974870 (cited by 6 submitters); PubMed 28392015 (cited by 3 submitters); PubMed 23286748 (cited by Natera, Inc. and Ambry Genetics); PubMed 25963003 (cited by Natera, Inc.); PubMed 6840743 (cited by Quest Diagnostics Nichols Institute San Juan Capistrano); PubMed 7691344 (cited by Quest Diagnostics Nichols Institute San Juan Capistrano and Counsyl); PubMed 18456578 (cited by Quest Diagnostics Nichols Institute San Juan Capistrano and Counsyl); PubMed 27660821 (cited by Quest Diagnostics Nichols Institute San Juan Capistrano); PubMed 25087612 (cited by Quest Diagnostics Nichols Institute San Juan Capistrano); PubMed 25732475 (cited by Quest Diagnostics Nichols Institute San Juan Capistrano); PubMed 28603918 (cited by Quest Diagnostics Nichols Institute San Juan Capistrano); PubMed 33781744 (cited by Quest Diagnostics Nichols Institute San Juan Capistrano); PubMed 34163370 (cited by Quest Diagnostics Nichols Institute San Juan Capistrano); PubMed 12865275 (cited by Women's Health and Genetics/Laboratory Corporation of America, LabCorp); PubMed 15287992 (cited by Women's Health and Genetics/Laboratory Corporation of America, LabCorp and Counsyl); PubMed 12007216 (cited by Women's Health and Genetics/Laboratory Corporation of America, LabCorp and Counsyl); PubMed 16189704 (cited by Women's Health and Genetics/Laboratory Corporation of America, LabCorp); PubMed 15698946 (cited by Women's Health and Genetics/Laboratory Corporation of America, LabCorp); PubMed 7551394 (cited by Women's Health and Genetics/Laboratory Corporation of America, LabCorp); PubMed 9043501 (cited by Women's Health and Genetics/Laboratory Corporation of America, LabCorp); PubMed 17495464 (cited by Women's Health and Genetics/Laboratory Corporation of America, LabCorp and Counsyl).